The following is an entry in ClinVar:

ClinVar aggregate classification (germline): Likely benign. Review status: criteria provided, multiple submitters, no conflicts (2 of 4 stars). 4 submissions from 4 submitters: Likely benign (4). Last evaluated 2026-01-26.

Conditions:
Hereditary cancer-predisposing syndrome. Also called: Hereditary Cancer Syndrome; Tumor predisposition; Hereditary neoplastic syndrome; Neoplastic Syndromes, Hereditary. Identifiers: Orphanet 140162, MedGen C0027672, MeSH D009386, MONDO:0015356.

Allele frequency attached by ClinVar (database versions not stated): ExAC 0.00001; gnomAD exomes 0.00001 and 0.00002; gnomAD 0.00002 and 0.00003; TOPMed 0.00003.
gnomAD v4.1: 19 of 1,613,078 alleles (0.0012%); highest among the groups gnomAD compares: Middle Eastern, 0.016%; no homozygotes.

Submissions (4):

Labcorp Genetics (formerly Invitae), Labcorp
Classification: Likely benign. Last evaluated: 2026-01-26. Review status: criteria provided, single submitter. Criteria: Invitae Variant Classification Sherloc (09022015). Collection method: clinical testing. Allele origin: germline.

Center for Genomic Medicine, Rigshospitalet, Copenhagen University Hospital
Classification: Likely benign. Last evaluated: 2025-12-29. Review status: criteria provided, single submitter. Criteria: ACMG Guidelines, 2015. Collection method: clinical testing. Allele origin: germline.

CeGaT Center for Human Genetics Tuebingen
Classification: Likely benign. Last evaluated: 2025-08-01. Review status: criteria provided, single submitter. Criteria: CeGaT Center For Human Genetics Tuebingen Variant Classification Criteria Version 2. Collection method: clinical testing. Allele origin: germline. Affected: yes. Observed: 1 variant allele.
Comment: MSH3: BP4, BP7

Ambry Genetics
Classification: Likely benign for Hereditary cancer-predisposing syndrome. Last evaluated: 2019-08-21. Review status: criteria provided, single submitter. Criteria: Ambry Variant Classification Scheme 2023. Collection method: clinical testing. Allele origin: germline.

NM_002439.5(MSH3):c.1431A>C (p.Ala477=)

Gene: MSH3 (mutS homolog 3; plus strand). Cytogenetic location: 5q14.1.
Variant type: single nucleotide variant.
Coding change: c.1431A>C on transcript NM_002439.5 (MANE Select); coding-DNA position 1431, A replaced by C.
Protein change: p.Ala477=; no amino-acid change (alanine 477 retained).
Molecular consequence: synonymous variant.
Genome position (GRCh38, 1-based): chr5:80,725,543, A>C. VCF-style: chr5-80725543-A-C. GRCh37 (hg19) VCF-style: chr5-80021362-A-C.
Identifiers: ClinVar variation 761129 (VCV000761129.24), dbSNP rs745850629, ClinGen allele CA3327906.